The following is an entry in ClinVar:

NM_003172.4(SURF1):c.410G>A (p.Arg137Gln)

Gene: SURF1 (SURF1 cytochrome c oxidase assembly factor; minus strand). Cytogenetic location: 9q34.2.
Variant type: single nucleotide variant.
Coding change: c.410G>A on transcript NM_003172.4 (MANE Select); coding-DNA position 410, G replaced by A.
Protein change: p.Arg137Gln; replaces arginine 137 with glutamine.
Molecular consequence: missense variant.
Genome position (GRCh38, 1-based): chr9:133,353,854, C>T on the plus strand (G>A on the coding strand, the complement: SURF1 is on the minus strand). VCF-style: chr9-133353854-C-T. GRCh37 (hg19) VCF-style: chr9-136220709-C-T.
Other names: c.83G>A, p.Arg28Gln (NM_001280787.1); short protein forms R137Q, R28Q.
Identifiers: ClinVar variation 2150157 (VCV002150157.16), dbSNP rs782268841, ClinGen allele CA200833041.

ClinVar aggregate classification (germline): Uncertain significance. Review status: criteria provided, multiple submitters, no conflicts (2 of 4 stars). 2 submissions from 2 submitters: Uncertain significance (2). Last evaluated 2024-07-01.

Conditions:
Leigh syndrome (NULS). Also called: LEIGH SYNDROME, NUCLEAR; Leigh's necrotizing encephalopathy; Leigh's disease; Leigh's syndrome; Leigh Syndrome (mtDNA deletion); Leigh Disease. Identifiers: Orphanet 506, MedGen C2931891, MONDO:0009723, OMIM 256000.

Allele frequency attached by ClinVar (database versions not stated): gnomAD exomes 0.00001; gnomAD 0.00002; TOPMed 0.00002.
gnomAD v4.1: 11 of 1,613,746 alleles (0.00068%); highest among the groups gnomAD compares: Admixed American, 0.0083%; no homozygotes.

Submissions (2):

CeGaT Center for Human Genetics Tuebingen
Classification: Uncertain significance. Last evaluated: 2024-07-01. Review status: criteria provided, single submitter. Criteria: CeGaT Center For Human Genetics Tuebingen Variant Classification Criteria Version 2. Collection method: clinical testing. Allele origin: germline. Affected: yes. Observed: 1 variant allele.
Comment: SURF1: PM2

Labcorp Genetics (formerly Invitae), Labcorp
Classification: Uncertain significance for Leigh syndrome. Last evaluated: 2022-10-26. Review status: criteria provided, single submitter. Criteria: Invitae Variant Classification Sherloc (09022015). Collection method: clinical testing. Allele origin: germline.
Comment: This sequence change replaces arginine, which is basic and polar, with glutamine, which is neutral and polar, at codon 137 of the SURF1 protein (p.Arg137Gln). This variant is present in population databases (rs782268841, gnomAD 0.01%). This variant has not been reported in the literature in individuals affected with SURF1-related conditions. Advanced modeling of protein sequence and biophysical properties (such as structural, functional, and spatial information, amino acid conservation, physicochemical variation, residue mobility, and thermodynamic stability) performed at Invitae indicates that this missense variant is expected to disrupt SURF1 protein function. In summary, the available evidence is currently insufficient to determine the role of this variant in disease. Therefore, it has been classified as a Variant of Uncertain Significance.